The following is an entry in ClinVar:

ClinVar aggregate classification (germline): Uncertain significance (1 of 4 stars; one submission).

Conditions:
Inborn genetic diseases. Identifiers: MedGen C0950123, MeSH D030342.

Submission:

Ambry Genetics
Classification: Uncertain significance for Inborn genetic diseases. Last evaluated: 2025-08-10. Review status: criteria provided, single submitter. Criteria: Ambry Variant Classification Scheme 2023. Collection method: clinical testing. Allele origin: germline.
Comment: The p.S158Y variant (also known as c.473C>A), located in coding exon 2 of the GATA2 gene, results from a C to A substitution at nucleotide position 473. The serine at codon 158 is replaced by tyrosine, an amino acid with dissimilar properties. This amino acid position is conserved. In addition, the in silico prediction for this alteration is inconclusive. Based on the available evidence, the clinical significance of this variant remains unclear.

NM_032638.5(GATA2):c.473C>A (p.Ser158Tyr)

Gene: GATA2 (GATA binding protein 2; minus strand). Cytogenetic location: 3q21.3.
Variant type: single nucleotide variant.
Coding change: c.473C>A on transcript NM_032638.5 (MANE Select); coding-DNA position 473, C replaced by A.
Protein change: p.Ser158Tyr; replaces serine 158 with tyrosine.
Molecular consequence: missense variant.
Genome position (GRCh38, 1-based): chr3:128,486,125, G>T on the plus strand (C>A on the coding strand, the complement: GATA2 is on the minus strand). VCF-style: chr3-128486125-G-T. GRCh37 (hg19) VCF-style: chr3-128204968-G-T.
Other names: c.473C>A, p.Ser158Tyr (NM_001145661.2, NM_001145662.1); short protein forms S158Y.
Identifiers: ClinVar variation 4262135 (VCV004262135.1).